The following is an entry in ClinVar:

NM_001378454.1(ALMS1):c.1927G>A (p.Glu643Lys)

Gene: ALMS1 (ALMS1 centrosome and basal body associated protein; plus strand). Cytogenetic location: 2p13.1.
Variant type: single nucleotide variant.
Coding change: c.1927G>A on transcript NM_001378454.1 (MANE Select); coding-DNA position 1927, G replaced by A.
Protein change: p.Glu643Lys; replaces glutamic acid 643 with lysine.
Molecular consequence: missense variant.
Genome position (GRCh38, 1-based): chr2:73,448,454, G>A. VCF-style: chr2-73448454-G-A. GRCh37 (hg19) VCF-style: chr2-73675581-G-A.
Other names: c.1930G>A, p.Glu644Lys (NM_015120.4); short protein forms E643K, E644K.
Identifiers: ClinVar variation 1501319 (VCV001501319.8), dbSNP rs769734500, ClinGen allele CA1713243.

ClinVar aggregate classification (germline): Uncertain significance. Review status: criteria provided, multiple submitters, no conflicts (2 of 4 stars). 3 submissions from 3 submitters: Uncertain significance (3). Last evaluated 2025-06-27.

Conditions:
Alstrom syndrome (ALMS). Identifiers: Orphanet 64, MedGen C0268425, MONDO:0008763, OMIM 203800.

Allele frequency attached by ClinVar (database versions not stated): gnomAD 0.00001; gnomAD exomes 0.00001; ExAC 0.00002; TOPMed 0.00002.
gnomAD v4.1: 8 of 1,613,774 alleles (0.0005%); highest among the groups gnomAD compares: South Asian, 0.0044%; no homozygotes.

Submissions (3):

GeneDx
Classification: Uncertain significance. Last evaluated: 2025-06-27. Review status: criteria provided, single submitter. Criteria: GeneDx Variant Classification Process June 2021. Collection method: clinical testing. Allele origin: germline. Affected: yes.
Comment: Not observed at significant frequency in large population cohorts (gnomAD); In silico analysis supports that this missense variant does not alter protein structure/function; Has not been previously published as pathogenic or benign to our knowledge

Labcorp Genetics (formerly Invitae), Labcorp
Classification: Uncertain significance for Alstrom syndrome. Last evaluated: 2022-06-24. Review status: criteria provided, single submitter. Criteria: Invitae Variant Classification Sherloc (09022015). Collection method: clinical testing. Allele origin: germline.
Comment: This sequence change replaces glutamic acid, which is acidic and polar, with lysine, which is basic and polar, at codon 644 of the ALMS1 protein (p.Glu644Lys). This variant is present in population databases (rs769734500, gnomAD 0.01%). This variant has not been reported in the literature in individuals affected with ALMS1-related conditions. Experimental studies and prediction algorithms are not available or were not evaluated, and the functional significance of this variant is currently unknown. In summary, the available evidence is currently insufficient to determine the role of this variant in disease. Therefore, it has been classified as a Variant of Uncertain Significance.

Women's Health and Genetics/Laboratory Corporation of America, LabCorp
Classification: Uncertain significance. Last evaluated: 2022-05-12. Review status: criteria provided, single submitter. Criteria: LabCorp Variant Classification Summary - May 2015. Collection method: clinical testing. Allele origin: germline.
Comment: Variant summary: ALMS1 c.1924G>A (p.Glu642Lys) results in a conservative amino acid change in the encoded protein sequence. Four of five in-silico tools predict a benign effect of the variant on protein function. The variant allele was found at a frequency of 1.2e-05 in 248804 control chromosomes. c.1924G>A has been reported in the literature in at least one individual affected with Alstrom Syndrome. These data indicate that the variant may be associated with disease. To our knowledge, no experimental evidence demonstrating an impact on protein function has been reported. One clinical diagnostic laboratory has submitted clinical-significance assessments for this variant to ClinVar after 2014 without evidence for independent evaluation and classified the variant as uncertain significance. Based on the evidence outlined above, the variant was classified as VUS-possibly pathogenic.

Literature cited by the submitters: PubMed 25846608 (cited by Women's Health and Genetics/Laboratory Corporation of America, LabCorp).